The following is an entry in ClinVar:

NM_006982.3(ALX1):c.507A>G (p.Thr169=)

Gene: ALX1 (ALX homeobox 1; plus strand). Cytogenetic location: 12q21.31.
Variant type: single nucleotide variant.
Coding change: c.507A>G on transcript NM_006982.3 (MANE Select); coding-DNA position 507, A replaced by G.
Protein change: p.Thr169=; no amino-acid change (threonine 169 retained).
Molecular consequence: synonymous variant.
Genome position (GRCh38, 1-based): chr12:85,283,852, A>G. VCF-style: chr12-85283852-A-G. GRCh37 (hg19) VCF-style: chr12-85677630-A-G.
Identifiers: ClinVar variation 3036149 (VCV003036149.2), dbSNP rs115154507, ClinGen allele CA6709542.

ClinVar aggregate classification (germline): Likely benign (0 of 4 stars; one submission).

Conditions:
ALX1-related disorder. Also called: ALX1-related condition.

Allele frequency attached by ClinVar (database versions not stated): gnomAD 0.00001; gnomAD exomes 0.00002; TOPMed 0.00006; ExAC 0.00007.
gnomAD v4.1: 25 of 1,613,934 alleles (0.0015%); highest among the groups gnomAD compares: East Asian, 0.051%; no homozygotes.

Submission:

PreventionGenetics, part of Exact Sciences
Classification: Likely benign for ALX1-related condition. Last evaluated: 2021-02-22. Review status: no assertion criteria provided. Collection method: clinical testing. Allele origin: germline.
Comment: This variant is classified as likely benign based on ACMG/AMP sequence variant interpretation guidelines (Richards et al. 2015 PMID: 25741868, with internal and published modifications).